The following is an entry in ClinVar:

NM_000836.4(GRIN2D):c.1138G>A (p.Gly380Ser)

Gene: GRIN2D (glutamate ionotropic receptor NMDA type subunit 2D; plus strand). Cytogenetic location: 19q13.33.
Variant type: single nucleotide variant.
Coding change: c.1138G>A on transcript NM_000836.4 (MANE Select); coding-DNA position 1138, G replaced by A.
Protein change: p.Gly380Ser; replaces glycine 380 with serine.
Molecular consequence: missense variant.
Genome position (GRCh38, 1-based): chr19:48,414,043, G>A. VCF-style: chr19-48414043-G-A. GRCh37 (hg19) VCF-style: chr19-48917300-G-A.
Other names: short protein forms G380S.
Identifiers: ClinVar variation 4082866 (VCV004082866.1).

ClinVar aggregate classification (germline): Uncertain significance (1 of 4 stars; one submission).

Submission:

GeneDx
Classification: Uncertain significance. Last evaluated: 2025-03-10. Review status: criteria provided, single submitter. Criteria: GeneDx Variant Classification Process June 2021. Collection method: clinical testing. Allele origin: germline. Affected: yes.
Comment: Not observed at significant frequency in large population cohorts (gnomAD); In silico analysis supports that this missense variant has a deleterious effect on protein structure/function; Has not been previously published as pathogenic or benign to our knowledge